The following is an entry in ClinVar:

ClinVar aggregate classification (germline): Likely benign (1 of 4 stars; one submission).

Allele frequency attached by ClinVar (database versions not stated): ExAC 0.00086; gnomAD 0.00210; ESP Exome Variant Server 0.00227; 1000 Genomes Project 0.00419; 1000 Genomes Project 30x 0.00468.
gnomAD v4.1: 653 of 1,612,608 alleles (0.04%); highest among the groups gnomAD compares: African/African-American, 0.74%; 15 homozygotes.

Submission:

CeGaT Center for Human Genetics Tuebingen
Classification: Likely benign. Last evaluated: 2023-04-01. Review status: criteria provided, single submitter. Criteria: CeGaT Center For Human Genetics Tuebingen Variant Classification Criteria Version 2. Collection method: clinical testing. Allele origin: germline. Affected: yes. Observed: 1 variant allele.
Comment: AHNAK2: BP4, BS2

NM_138420.4(AHNAK2):c.7798G>A (p.Ala2600Thr)

Gene: AHNAK2 (AHNAK nucleoprotein 2; minus strand). Cytogenetic location: 14q32.33.
Variant type: single nucleotide variant.
Coding change: c.7798G>A on transcript NM_138420.4 (MANE Select); coding-DNA position 7798, G replaced by A.
Protein change: p.Ala2600Thr; replaces alanine 2600 with threonine.
Molecular consequence: missense variant.
Genome position (GRCh38, 1-based): chr14:104,947,653, C>T on the plus strand (G>A on the coding strand, the complement: AHNAK2 is on the minus strand). VCF-style: chr14-104947653-C-T. GRCh37 (hg19) VCF-style: chr14-105413990-C-T.
Other names: c.7498G>A, p.Ala2500Thr (NM_001350929.2); short protein forms A2500T, A2600T.
Identifiers: ClinVar variation 2644717 (VCV002644717.24), dbSNP rs201261247, ClinGen allele CA7380390.